The following is an entry in ClinVar:

NR_189288.1(RNVU1-27):n.100C>G

Genes: RNVU1-27 (RNA, variant U1 small nuclear 27; plus strand), LOC129931365 (ATAC-STARR-seq lymphoblastoid silent region 1286; plus strand). Cytogenetic location: 1q21.2.
Variant type: single nucleotide variant.
Molecular consequence: non-coding transcript variant (on NR_189288.1).
Genome position: GRCh38 VCF-style: chr1-148522700-C-G. GRCh37 (hg19) VCF-style: chr1-147994248-C-G.
Identifiers: ClinVar variation 3362390 (VCV003362390.2).

ClinVar aggregate classification (germline): Uncertain significance. Review status: criteria provided, multiple submitters, no conflicts (2 of 4 stars). 2 submissions from 2 submitters: Uncertain significance (2). Last evaluated 2024-10-09.

Conditions:
RNVU1-27-associated neurodevelopmental disorder.

Submissions (2):

Institute of Human Genetics, University of Leipzig Medical Center
Classification: Uncertain significance for RNVU1-27-associated neurodevelopmental disorder. Last evaluated: 2024-10-09. Review status: criteria provided, single submitter. Criteria: ACMG Guidelines, 2015. Collection method: literature only. Allele origin: de novo. Inheritance: Autosomal dominant inheritance. Affected: yes. Observed: 1 variant allele.
Comment: This variant was identified as de novo

Institute for Human Genetics, University Hospital Essen
Classification: Uncertain significance. Last evaluated: 2005-03-05. Review status: criteria provided, single submitter. Criteria: ACMG Guidelines, 2015. Collection method: clinical testing. Allele origin: de novo. Affected: yes.
Comment: PM2_supp, PS2

Literature cited by the submitters: DOI 10.1101/2024.10.07.24314689 (cited by Institute of Human Genetics, University of Leipzig Medical Center).